The following is an entry in ClinVar:

ClinVar aggregate classification (germline): Uncertain significance. Review status: criteria provided, multiple submitters, no conflicts (2 of 4 stars). 2 submissions from 2 submitters: Uncertain significance (2). Last evaluated 2024-01-22.

Conditions:
Inborn genetic diseases. Identifiers: MedGen C0950123, MeSH D030342.
Achondrogenesis, type IA (ACG1A). Identifiers: Orphanet 932, Orphanet 93299, MedGen C0265273, MONDO:0008701, OMIM 200600.

Allele frequency attached by ClinVar (database versions not stated): TOPMed 0.00001; gnomAD exomes 0.00005; ExAC 0.00006; 1000 Genomes Project 30x 0.00016; 1000 Genomes Project 0.00020.

Submissions (2):

Labcorp Genetics (formerly Invitae), Labcorp
Classification: Uncertain significance for Achondrogenesis, type IA. Last evaluated: 2024-01-22. Review status: criteria provided, single submitter. Criteria: Invitae Variant Classification Sherloc (09022015). Collection method: clinical testing. Allele origin: germline.
Comment: This sequence change replaces methionine, which is neutral and non-polar, with leucine, which is neutral and non-polar, at codon 162 of the TRIP11 protein (p.Met162Leu). This variant is present in population databases (rs553843359, gnomAD 0.03%). This variant has not been reported in the literature in individuals affected with TRIP11-related conditions. ClinVar contains an entry for this variant (Variation ID: 1005658). Advanced modeling of protein sequence and biophysical properties (such as structural, functional, and spatial information, amino acid conservation, physicochemical variation, residue mobility, and thermodynamic stability) performed at Invitae indicates that this missense variant is not expected to disrupt TRIP11 protein function with a negative predictive value of 80%. In summary, the available evidence is currently insufficient to determine the role of this variant in disease. Therefore, it has been classified as a Variant of Uncertain Significance.

Ambry Genetics
Classification: Uncertain significance for Inborn genetic diseases. Last evaluated: 2023-02-14. Review status: criteria provided, single submitter. Criteria: Ambry Variant Classification Scheme 2023. Collection method: clinical testing. Allele origin: germline.

NM_004239.4(TRIP11):c.484A>T (p.Met162Leu)

Gene: TRIP11 (thyroid hormone receptor interactor 11; minus strand). Cytogenetic location: 14q32.12.
Variant type: single nucleotide variant.
Coding change: c.484A>T on transcript NM_004239.4 (MANE Select); coding-DNA position 484, A replaced by T.
Protein change: p.Met162Leu; replaces methionine 162 with leucine.
Molecular consequence: missense variant.
Genome position (GRCh38, 1-based): chr14:92,021,660, T>A on the plus strand (A>T on the coding strand, the complement: TRIP11 is on the minus strand). VCF-style: chr14-92021660-T-A. GRCh37 (hg19) VCF-style: chr14-92488004-T-A.
Other names: c.481A>T, p.Met161Leu (NM_001321851.1); c.484A>T (NM_004239.3); short protein forms M161L, M162L.
Identifiers: ClinVar variation 1005658 (VCV001005658.9), dbSNP rs553843359, ClinGen allele CA7314180.
Genomic context (GRCh38, chr14:92,021,660, plus strand): 5'-AAACTTCATTTGAGAGTCGGTTTATTTCTTGTTGGGATGAAATTATATCACCAAAGTCCA[T>A]GTCATCGTCATGGAAAGCTGAAGGATGATGACTAATCCCATAAGCGAATGAAGATGATGC-3'
Protein context (NP_004230.2, residues 152-172): HHPSAFHDDD[Met162Leu]DFGDIISSQQ